The following is an entry in ClinVar:

ClinVar aggregate classification (germline): Uncertain significance (1 of 4 stars; one submission).

Conditions:
Myopathy with tubular aggregates (TAM). Also called: Tubular Aggregate Myopathy. Identifiers: Orphanet 2593, MedGen C0410207, MONDO:0008051.
Stormorken syndrome (STRMK). Also called: THROMBOCYTOPATHY, ASPLENIA, AND MIOSIS. Identifiers: Orphanet 3204, MedGen C1861451, MONDO:0008497, OMIM 185070.
Combined immunodeficiency due to STIM1 deficiency. Also called: STIM1 DEFICIENCY; IMMUNODEFICIENCY 10. Identifiers: Orphanet 169090, Orphanet 317430, MedGen C2748557, MONDO:0013008, OMIM 612783.

gnomAD v4.1: 13 of 1,601,190 alleles (0.00081%); highest among the groups gnomAD compares: Non-Finnish European, 0.0011%; no homozygotes.

Submission:

Labcorp Genetics (formerly Invitae), Labcorp
Classification: Uncertain significance for Myopathy with tubular aggregates; Combined immunodeficiency due to STIM1 deficiency; Stormorken syndrome. Last evaluated: 2025-06-08. Review status: criteria provided, single submitter. Criteria: Invitae Variant Classification Sherloc (09022015). Collection method: clinical testing. Allele origin: germline.
Comment: This sequence change replaces valine, which is neutral and non-polar, with isoleucine, which is neutral and non-polar, at codon 138 of the STIM1 protein (p.Val138Ile). This variant is present in population databases (rs199728303, gnomAD 0.001%). This missense change has been observed in individual(s) with STIM1-related conditions (PMID: 34368974). An algorithm developed to predict the effect of missense changes on protein structure and function outputs the following: PolyPhen-2: "Benign". The isoleucine amino acid residue is found in multiple mammalian species, which suggests that this missense change does not adversely affect protein function. Experimental studies have shown that this missense change affects STIM1 function (PMID: 34368974). In summary, the available evidence is currently insufficient to determine the role of this variant in disease. Therefore, it has been classified as a Variant of Uncertain Significance.

Literature cited by the submitters: PubMed 34368974.

NM_001382567.1(STIM1):c.412G>A (p.Val138Ile)

Gene: STIM1 (stromal interaction molecule 1; plus strand). Cytogenetic location: 11p15.4.
Variant type: single nucleotide variant.
Coding change: c.412G>A on transcript NM_001382567.1 (MANE Select); coding-DNA position 412, G replaced by A.
Protein change: p.Val138Ile; replaces valine 138 with isoleucine.
Molecular consequence: missense variant. On other transcripts: 5 prime UTR variant (2), non-coding transcript variant (3), intron variant (2).
Genome position (GRCh38, 1-based): chr11:4,055,552, G>A. VCF-style: chr11-4055552-G-A. GRCh37 (hg19) VCF-style: chr11-4076782-G-A.
Other names: c.412G>A, p.Val138Ile (NM_001277961.3, NM_001277962.2, NM_001382568.1 and 2 more transcripts); c.190G>A, p.Val64Ile (NM_001382566.1, NM_001382573.1, NM_001382574.1 and 5 more transcripts); c.277G>A, p.Val93Ile (NM_001382569.1); c.-78G>A (NM_001382580.1, NM_001382581.1); c.386-14474G>A (NM_001382570.1); c.18-3729G>A (NM_001382571.1); short protein forms V138I, V64I, V93I.
Identifiers: ClinVar variation 4793293 (VCV004793293.1).